The following is an entry in ClinVar:

NM_003982.4(SLC7A7):c.1356A>G (p.Ser452=)

Gene: SLC7A7 (solute carrier family 7 member 7; minus strand). Cytogenetic location: 14q11.2.
Variant type: single nucleotide variant.
Coding change: c.1356A>G on transcript NM_003982.4 (MANE Select); coding-DNA position 1356, A replaced by G.
Protein change: p.Ser452=; no amino-acid change (serine 452 retained).
Molecular consequence: synonymous variant.
Genome position (GRCh38, 1-based): chr14:22,774,006, T>C on the plus strand (A>G on the coding strand, the complement: SLC7A7 is on the minus strand). VCF-style: chr14-22774006-T-C. GRCh37 (hg19) VCF-style: chr14-23243215-T-C.
Other names: c.1356A>G, p.Ser452= (NM_001126105.3, NM_001126106.4).
Identifiers: ClinVar variation 1158932 (VCV001158932.28), dbSNP rs1346185145, ClinGen allele CA485751420.

ClinVar aggregate classification (germline): Likely benign. Review status: criteria provided, multiple submitters, no conflicts (2 of 4 stars). 2 submissions from 2 submitters: Likely benign (2). Last evaluated 2024-03-01.

Conditions:
Lysinuric protein intolerance (LPI). Identifiers: Orphanet 470, MedGen C0268647, MONDO:0009109, OMIM 222700.

Allele frequency attached by ClinVar (database versions not stated): gnomAD exomes below 0.00001; gnomAD 0.00001; TOPMed 0.00001.
gnomAD v4.1: 5 of 1,613,960 alleles (0.00031%); highest among the groups gnomAD compares: Non-Finnish European, 0.00042%; no homozygotes.

Submissions (2):

CeGaT Center for Human Genetics Tuebingen
Classification: Likely benign. Last evaluated: 2024-03-01. Review status: criteria provided, single submitter. Criteria: CeGaT Center For Human Genetics Tuebingen Variant Classification Criteria Version 2. Collection method: clinical testing. Allele origin: germline. Affected: yes. Observed: 1 variant allele.
Comment: SLC7A7: BP4, BP7

Labcorp Genetics (formerly Invitae), Labcorp
Classification: Likely benign for Lysinuric protein intolerance. Last evaluated: 2024-02-17. Review status: criteria provided, single submitter. Criteria: Invitae Variant Classification Sherloc (09022015). Collection method: clinical testing. Allele origin: germline.